The following is an entry in ClinVar:

NM_001162501.2(TNRC6B):c.2649T>G (p.Ile883Met)

Gene: TNRC6B (trinucleotide repeat containing adaptor 6B; plus strand). Cytogenetic location: 22q13.1.
Variant type: single nucleotide variant.
Coding change: c.2649T>G on transcript NM_001162501.2 (MANE Select); coding-DNA position 2649, T replaced by G.
Protein change: p.Ile883Met; replaces isoleucine 883 with methionine.
Molecular consequence: missense variant. On other transcripts: intron variant (1).
Genome position (GRCh38, 1-based): chr22:40,266,879, T>G. VCF-style: chr22-40266879-T-G. GRCh37 (hg19) VCF-style: chr22-40662883-T-G.
Other names: c.2649T>G, p.Ile883Met (NM_015088.3); c.566-3243T>G (NM_001024843.2); short protein forms I883M.
Identifiers: ClinVar variation 4540199 (VCV004540199.1).

ClinVar aggregate classification (germline): Uncertain significance (1 of 4 stars; one submission).

Submission:

GeneDx
Classification: Uncertain significance. Last evaluated: 2025-06-24. Review status: criteria provided, single submitter. Criteria: GeneDx Variant Classification Process June 2021. Collection method: clinical testing. Allele origin: germline. Affected: yes.
Comment: Not observed at significant frequency in large population cohorts (gnomAD); In silico analysis suggests that this missense variant does not alter protein structure/function; Has not been previously published as pathogenic or benign to our knowledge